The following is an entry in ClinVar:

ClinVar aggregate classification (germline): Likely pathogenic. Review status: criteria provided, multiple submitters, no conflicts (2 of 4 stars). 2 submissions from 2 submitters: Likely pathogenic (2). Last evaluated 2025-07-09.

Conditions:
Cardiovascular phenotype. Identifiers: MedGen CN230736.
Dilated cardiomyopathy 1G (CMD1G). Identifiers: Orphanet 154, MedGen C1858763, MONDO:0011400, OMIM 604145.
Autosomal recessive limb-girdle muscular dystrophy type 2J (LGMDR10). Also called: Limb-girdle muscular dystrophy, type 2J; MUSCULAR DYSTROPHY, LIMB-GIRDLE, AUTOSOMAL RECESSIVE 10. Identifiers: Orphanet 140922, MedGen C1837342, MONDO:0012127, OMIM 608807.

Submissions (2):

Ambry Genetics
Classification: Likely pathogenic for Cardiovascular phenotype. Last evaluated: 2025-07-09. Review status: criteria provided, single submitter. Criteria: Ambry Variant Classification Scheme 2023. Collection method: clinical testing. Allele origin: germline.
Comment: The c.11939_11943delAAGAG variant, located in coding exon 44 of the TTN gene, results from a deletion of 5 nucleotides at nucleotide positions 11939 to 11943, causing a translational frameshift with a predicted alternate stop codon (p.E3980Afs*3). This exon is located in the I-band region of the N2-B isoform of the titin protein and is constitutively expressed in TTN transcripts (percent spliced in or PSI 100%). This variant was reported in individual(s) with features consistent with dilated cardiomyopathy (Ambry internal data). This variant is considered to be rare based on population cohorts in the Genome Aggregation Database (gnomAD). This variant is expected to result in loss of function by premature protein truncation or nonsense-mediated mRNA decay. While truncating variants in TTN are present in 1-3% of the general population, truncating variants in the A-band are the most common cause of dilated cardiomyopathy (Herman DS et al. N. Engl. J. Med., 2012 Feb;366:619-28; Roberts AM et al. Sci Transl Med, 2015 Jan;7:270ra6). TTN truncating variants encoded in constitutive exons (PSI >90%) have been found to be significantly associated with DCM regardless of their position in titin (Schafer S et al. Nat. Genet., 2017 01;49:46-53; Akhtar MM et al. Circ Heart Fail, 2020 Oct;13:e006832; Massier M et al. Clin Genet, 2025 Jan). Based on the majority of available evidence to date, this variant is likely to be pathogenic.

Labcorp Genetics (formerly Invitae), Labcorp
Classification: Likely pathogenic for Dilated cardiomyopathy 1G; Autosomal recessive limb-girdle muscular dystrophy type 2J. Last evaluated: 2024-07-16. Review status: criteria provided, single submitter. Criteria: Invitae Variant Classification Sherloc (09022015). Collection method: clinical testing. Allele origin: germline.
Comment: This sequence change creates a premature translational stop signal (p.Glu4343Alafs*3) in the TTN gene. While this is not anticipated to result in nonsense mediated decay, it is expected to create a truncated TTN protein. This variant is not present in population databases (gnomAD no frequency). This variant has not been reported in the literature in individuals affected with TTN-related conditions. This variant is located in the I band of TTN (PMID: 25589632). Truncating variants in this region have been reported in individuals affected with autosomal recessive centronuclear myopathy (PMID: 23975875, Invitae internal data). Truncating variants in this region have also been identified in individuals affected with autosomal dominant dilated cardiomyopathy and/or cardio-related conditions (PMID: 27869827, 32964742, Invitae internal data). In summary, the currently available evidence indicates that the variant is pathogenic, but additional data are needed to prove that conclusively. Therefore, this variant has been classified as Likely Pathogenic.

Literature cited by the submitters: PubMed 25589632 (cited by Labcorp Genetics (formerly Invitae), Labcorp); PubMed 23975875 (cited by Labcorp Genetics (formerly Invitae), Labcorp); PubMed 27869827 (cited by Labcorp Genetics (formerly Invitae), Labcorp); PubMed 32964742 (cited by Labcorp Genetics (formerly Invitae), Labcorp).

NM_001267550.2(TTN):c.13028_13032del (p.Glu4343fs)

Gene: TTN (titin; minus strand). Cytogenetic location: 2q31.2.
Variant type: Deletion.
Coding change: c.13028_13032del on transcript NM_001267550.2 (MANE Select); coding-DNA positions 13028 to 13032, 5 bases deleted (AAGAG; older notation c.13028_13032delAAGAG).
Protein change: p.Glu4343fs; shifts the reading frame from glutamic acid 4343.
Molecular consequence: frameshift variant. On other transcripts: intron variant (1).
Genome position (GRCh38, 1-based): chr2:178,740,201-178,740,205, CTCTT deleted on the plus strand (AAGAG on the coding strand, the reverse complement: TTN is on the minus strand); deleting any 5 consecutive bases within chr2:178,740,201-178,740,207 gives the same sequence; the c. name uses the placement nearest the transcript's 3' end. VCF-style (leftmost placement, unchanged base first): chr2-178740200-GCTCTT-G. GRCh37 (hg19) VCF-style: chr2-179604927-GCTCTT-G.
Other names: c.11939_11943delAAGAG (NM_003319.4); c.12077_12081del, p.Glu4026fs (NM_001256850.1); c.11939_11943del, p.Glu3980fs (NM_003319.4); c.12314_12318del, p.Glu4105fs (NM_133432.3); c.12515_12519del, p.Glu4172fs (NM_133437.4); c.10361-1845_10361-1841del (NM_133378.4); short protein forms E3980fs, E4026fs, E4105fs, E4172fs, E4343fs.
Identifiers: ClinVar variation 3757256 (VCV003757256.3).